The following is an entry in ClinVar:

ClinVar aggregate classification (germline): Pathogenic. Review status: reviewed by expert panel (3 of 4 stars). 18 submissions from 18 submitters: Pathogenic (1). 17 of the submissions do not count toward it. Last evaluated 2016-12-15.

Conditions:
MYH7-related disorder. Also called: MYH7-related disorders; MYH7-related condition; MYH7-related disease.
Cardiovascular phenotype. Identifiers: MedGen CN230736.
Cardiomyopathy (CMYO). Also called: Cardiomyopathies. Identifiers: Orphanet 167848, MedGen C0878544, MONDO:0004994, HP:0001638. Inheritance: Various modes of inheritance.
Hypertrophic cardiomyopathy 1 (CMH1). Also called: Familial hypertrophic cardiomyopathy 1; MYH7-Related Familial Hypertrophic Cardiomyopathy. Identifiers: MedGen C3495498, MONDO:0008647, OMIM 192600.
Dilated cardiomyopathy 1S (CMD1S). Identifiers: Orphanet 154, Orphanet 54260, MedGen C1834481, MONDO:0013262, OMIM 613426.
Hypertrophic cardiomyopathy. Also called: HYPERTROPHIC MYOCARDIOPATHY. Identifiers: Orphanet 217569, MedGen C0007194, MeSH D002312, MONDO:0005045, HP:0001639.

Allele frequency attached by ClinVar (database versions not stated): gnomAD exomes below 0.00001.
gnomAD v4.1: 6 of 1,614,148 alleles (0.00037%); highest among the groups gnomAD compares: Admixed American, 0.0033%; no homozygotes.

Submissions 1 to 9 of 18:

ClinGen Cardiomyopathy Variant Curation Expert Panel
Classification: Pathogenic for Hypertrophic cardiomyopathy. Last evaluated: 2016-12-15. Review status: reviewed by expert panel. Criteria: ClinGen CMP ACMG Specifications v1. Collection method: curation. Allele origin: germline. Inheritance: Autosomal dominant inheritance.
Comment: The c.788T>C (p.Ile263Thr) variant in MYH7 has been reported in >20 individuals with hypertrophic cardiomyopathy (PS4: PMID:15008060; PMID:9829907; PMID:12707239; PMID:22429680; PMID:20624503; Partners LMM ClinVar SCV000059656.5; SHaRe consortium, PMID: 30297972). This variant segregated with disease in 10 affected individuals (PP1_Strong: PMID:15008060; PMID:9829907). This variant was absent from large population studies (PM2). This variant lies in the head region of the protein (aa 181-937) and missense variants in this region are statistically more likely to be disease-associated (PM1; PMID:27532257). Computational prediction tools and conservation analysis suggest that this variant may impact the protein (PP3). In summary, this variant meets criteria to be classified as pathogenic for hypertrophic cardiomyopathy in an autosomal dominant manner. MYH7-specific ACMG/AMP criteria applied (PMID:29300372): PS4, PP1_Strong, PM1, PM2, PP3

OLLIN Analises Genomicas, OLLIN
Classification: Pathogenic for Dilated cardiomyopathy 1S. Last evaluated: 2026-08-06. Review status: criteria provided, single submitter. Criteria: ACMG Guidelines 2015 PMID 25741868. Collection method: clinical testing. Allele origin: germline. Inheritance: Autosomal dominant inheritance. Not counted in ClinVar's aggregate classification.
Comment: This missense variant, located in exon 9 (of 40), has been reported in ClinVar (accession VCV000043106.37) and in gnomAD with an allele frequency of 0.00037%. However, to our knowledge, it has not been reported in the scientific literature. In silico analysis predicts that this variant has a deleterious effect. This variant is located in a region considered to be a mutational hotspot. According to the currently available evidence, this variant has been classified as pathogenic (PS4, PM1, PM2_P, PP1_S, PP3).

Dasa
Classification: Pathogenic. Last evaluated: 2026-03-27. Review status: criteria provided, single submitter. Criteria: DASA Assertion Criteria. Collection method: clinical testing. Allele origin: germline. Not counted in ClinVar's aggregate classification.
Comment: NM_000257.4(MYH7):c.788T>C (p.Ile263Thr) is a missense variant that results in the substitution of isoleucine with threonine. Functional evidence supports a deleterious effect on the gene or gene product (PMID: 27737317; PMID: 9829907; PMID: 12707239; PMID: 20624503; PMID: 21425739). This variant has been recurrently observed in individuals with related phenotype (PMID: 27737317; PMID: 9829907; PMID: 12707239; PMID: 20624503; PMID: 21425739). Segregation evidence has been reported in affected families. Multiple computational predictions support a deleterious effect on the gene or gene product. Based on the available data, this variant is classified as pathogenic.

MVZ Medizinische Genetik Mainz
Classification: Pathogenic for Hypertrophic cardiomyopathy 1. Last evaluated: 2026-02-13. Review status: criteria provided, single submitter. Criteria: UK Practice Guidelines For Variant Classification V4 01 2020. Collection method: clinical testing. Allele origin: germline. Inheritance: Autosomal dominant inheritance. Affected: yes. Observed: 1 variant allele. Not counted in ClinVar's aggregate classification.
Comment: ACMG Criteria: PS4,PP1_STR,PM1,PP3

PreventionGenetics, part of Exact Sciences
Classification: Pathogenic for MYH7-related condition. Last evaluated: 2026-02-10. Review status: criteria provided, single submitter. Criteria: ACMG Guidelines, 2015. Collection method: clinical testing. Allele origin: germline. Not counted in ClinVar's aggregate classification.
Comment: The MYH7 c.788T>C variant is predicted to result in the amino acid substitution p.Ile263Thr. This variant has been reported in the heterozygous state in multiple individuals with hypertrophic cardiomyopathy (see for examples, Richard et al. 2003. PubMed ID: 12707239; Millat et al. 2010. PubMed ID: 20624503; Santos et al. 2012. PubMed ID: 22429680; Marsiglia et al. 2013. PubMed ID: 24093860; Table S1, Walsh et al. 2016. PubMed ID: 27532257). This variant has been reported to segregate with hypertrophic cardiomyopathy (Table S4, Kelly et al. 2018. PubMed ID: 29300372). This variant is reported in 0.00088% of alleles in individuals of European (non-Finnish) descent in gnomAD and it has been classified as pathogenic by the ClinGen Cardiomyopathy Variant Curation Expert Panel (Variation ID: 43106). This variant is interpreted as pathogenic.

Labcorp Genetics (formerly Invitae), Labcorp
Classification: Pathogenic for Hypertrophic cardiomyopathy. Last evaluated: 2025-10-13. Review status: criteria provided, single submitter. Criteria: Invitae Variant Classification Sherloc (09022015). Collection method: clinical testing. Allele origin: germline. Not counted in ClinVar's aggregate classification.
Comment: This sequence change replaces isoleucine, which is neutral and non-polar, with threonine, which is neutral and polar, at codon 263 of the MYH7 protein (p.Ile263Thr). This variant is present in population databases (rs397516269, gnomAD 0.0009%). This missense change has been observed in individuals with hypertrophic cardiomyopathy (PMID: 9829907, 12707239, 15008060, 21425739, 24093860, 27247418, 27532257). ClinVar contains an entry for this variant (Variation ID: 43106). Invitae Evidence Modeling of protein sequence and biophysical properties (such as structural, functional, and spatial information, amino acid conservation, physicochemical variation, residue mobility, and thermodynamic stability) indicates that this missense variant is expected to disrupt MYH7 protein function with a positive predictive value of 95%. This variant is found within a region of MYH7 between codons 181 and 937 that contains the majority of the myosin head domain. Missense variants in this region have been shown to be significantly overrepresented in individuals with hypertrophic cardiomyopathy (PMID: 27532257). For these reasons, this variant has been classified as Pathogenic.

Ambry Genetics
Classification: Pathogenic for Cardiovascular phenotype. Last evaluated: 2025-08-21. Review status: criteria provided, single submitter. Criteria: Ambry Variant Classification Scheme 2023. Collection method: clinical testing. Allele origin: germline. Not counted in ClinVar's aggregate classification.
Comment: The p.I263T pathogenic mutation (also known as c.788T>C), located in coding exon 7 of the MYH7 gene, results from a T to C substitution at nucleotide position 788. The isoleucine at codon 263 is replaced by threonine, an amino acid with similar properties. This variant was identified in one or more individuals with features consistent with cardiomyopathy and segregated with disease in at least one family (Tesson F et al. Hum. Mutat., 1998;12:385-92; Richard P et al. Circulation, 2003 May;107:2227-32; Brito D et al. Rev Port Cardiol, 2005 Sep;24:1137-46; Santos S et al. BMC Med. Genet., 2012 Mar;13:17; Homburger JR et al. Proc. Natl. Acad. Sci. U.S.A., 2016 06;113:6701-6; Walsh R et al. Genet. Med., 2017 02;19:192-203; Kelly MA et al. Genet. Med., 2018 03;20:351-359). In some families, reduced penetrance was noted (Tesson F et al. Hum. Mutat., 1998;12:385-92; Brito D et al. Rev Port Cardiol, 2005 Sep;24:1137-46). This alteration is located in the myosin head domain, which contains a statistically significant clustering of pathogenic missense variants (Homburger JR et al. Proc Natl Acad Sci U S A, 2016 06;113:6701-6; Walsh R et al. Genet Med, 2017 02;19:192-203; Ambry internal data). This amino acid position is highly conserved in available vertebrate species. In addition, this alteration is predicted to be deleterious by in silico analysis. In addition, this variant is considered to be rare based on population cohorts in the Genome Aggregation Database (gnomAD). Based on the supporting evidence, this alteration is interpreted as a disease-causing mutation.

Clinical Genetics Laboratory, Region Ostergotland
Classification: Pathogenic for Hypertrophic cardiomyopathy 1. Last evaluated: 2025-03-07. Review status: criteria provided, single submitter. Criteria: ClinGen CMP ACMG Specifications MYH7 V2.0.0. Collection method: clinical testing. Allele origin: germline. Affected: yes. Observed: 1 variant allele. Not counted in ClinVar's aggregate classification.
Comment: Classification according to ClinGen Cardiomyopathy Expert Panel Specifications to the ACMG/AMP Variant Interpretation Guidelines for MYH7 Version 2.0.0: PP1_strong, PS4_moderate, PM1, PM2_supporting, PP3

Blueprint Genetics
Classification: Pathogenic for MYH7-related disorders. Last evaluated: 2024-06-04. Review status: criteria provided, single submitter. Criteria: ACMG Guidelines, 2015. Collection method: clinical testing. Allele origin: germline. Affected: yes. Observed: 4 variant alleles. Not counted in ClinVar's aggregate classification.

NM_000257.4(MYH7):c.788T>C (p.Ile263Thr)

Gene: MYH7 (myosin heavy chain 7; minus strand). Cytogenetic location: 14q11.2.
Variant type: single nucleotide variant.
Coding change: c.788T>C on transcript NM_000257.4 (MANE Select); coding-DNA position 788, T replaced by C.
Protein change: p.Ile263Thr; replaces isoleucine 263 with threonine.
Molecular consequence: missense variant.
Genome position (GRCh38, 1-based): chr14:23,431,426, A>G on the plus strand (T>C on the coding strand, the complement: MYH7 is on the minus strand). VCF-style: chr14-23431426-A-G. GRCh37 (hg19) VCF-style: chr14-23900635-A-G.
Other names: p.I263T:ATA>ACA; NM_000257.3(MYH7):c.788T>C; short protein forms I263T.
Identifiers: ClinVar variation 43106 (VCV000043106.39), dbSNP rs397516269, ClinGen allele CA016824.